The following is an entry in ClinVar:

NM_006929.5(SKIC2):c.727T>A (p.Ser243Thr)

Gene: SKIC2 (SKI2 subunit of superkiller complex; plus strand). Cytogenetic location: 6p21.33.
Variant type: single nucleotide variant.
Coding change: c.727T>A on transcript NM_006929.5 (MANE Select); coding-DNA position 727, T replaced by A.
Protein change: p.Ser243Thr; replaces serine 243 with threonine.
Molecular consequence: missense variant.
Genome position (GRCh38, 1-based): chr6:31,961,324, T>A. VCF-style: chr6-31961324-T-A. GRCh37 (hg19) VCF-style: chr6-31929101-T-A.
Other names: short protein forms S243T.
Identifiers: ClinVar variation 1508055 (VCV001508055.5), dbSNP rs1385791269, ClinGen allele CA363444447.
Genomic context (GRCh38, chr6:31,961,324, plus strand): 5'-GGTGACGAGGATGAGAATGAGGCAGTGGGACAGCCAGGAGGTCCCAGAGGGGACACTGTT[T>A]CAGCCTCTCCCTGCAGTGCTCCCCTGGCCCGAGCAAGCAGCTTGGAAGACCTAGTGTTGA-3'
Protein context (NP_008860.4, residues 233-253): QPGGPRGDTV[Ser243Thr]ASPCSAPLAR

ClinVar aggregate classification (germline): Uncertain significance (1 of 4 stars; one submission).

Allele frequency attached by ClinVar (database versions not stated): gnomAD 0.00001 and 0.00002; gnomAD exomes 0.00001; TOPMed 0.00002.
gnomAD v4.1: 8 of 1,593,674 alleles (0.0005%); highest among the groups gnomAD compares: Non-Finnish European, 0.00068%; no homozygotes.

Submission:

Labcorp Genetics (formerly Invitae), Labcorp
Classification: Uncertain significance. Last evaluated: 2022-03-26. Review status: criteria provided, single submitter. Criteria: Invitae Variant Classification Sherloc (09022015). Collection method: clinical testing. Allele origin: germline.
Comment: This sequence change replaces serine, which is neutral and polar, with threonine, which is neutral and polar, at codon 243 of the SKIV2L protein (p.Ser243Thr). This variant is not present in population databases (gnomAD no frequency). This variant has not been reported in the literature in individuals affected with SKIV2L-related conditions. Algorithms developed to predict the effect of missense changes on protein structure and function output the following: SIFT: "Tolerated"; PolyPhen-2: "Benign"; Align-GVGD: "Class C0". The threonine amino acid residue is found in multiple mammalian species, which suggests that this missense change does not adversely affect protein function. In summary, the available evidence is currently insufficient to determine the role of this variant in disease. Therefore, it has been classified as a Variant of Uncertain Significance.